The following is an entry in ClinVar:

ClinVar aggregate classification (germline): Uncertain significance (1 of 4 stars; one submission).

gnomAD v4.1: 116 of 1,614,036 alleles (0.0072%); highest among the groups gnomAD compares: Middle Eastern, 0.31%; no homozygotes.

Submission:

Labcorp Genetics (formerly Invitae), Labcorp
Classification: Uncertain significance. Last evaluated: 2025-06-07. Review status: criteria provided, single submitter. Criteria: Invitae Variant Classification Sherloc (09022015). Collection method: clinical testing. Allele origin: germline.
Comment: This sequence change replaces arginine, which is basic and polar, with glutamine, which is neutral and polar, at codon 344 of the APCDD1 protein (p.Arg344Gln). This variant is present in population databases (rs754691351, gnomAD 0.009%). This variant has not been reported in the literature in individuals affected with APCDD1-related conditions. Invitae Evidence Modeling of protein sequence and biophysical properties (such as structural, functional, and spatial information, amino acid conservation, physicochemical variation, residue mobility, and thermodynamic stability) indicates that this missense variant is not expected to disrupt APCDD1 protein function with a negative predictive value of 80%. In summary, the available evidence is currently insufficient to determine the role of this variant in disease. Therefore, it has been classified as a Variant of Uncertain Significance.

NM_153000.5(APCDD1):c.1031G>A (p.Arg344Gln)

Gene: APCDD1 (APC down-regulated 1; plus strand). Cytogenetic location: 18p11.22.
Variant type: single nucleotide variant.
Coding change: c.1031G>A on transcript NM_153000.5 (MANE Select); coding-DNA position 1031, G replaced by A.
Protein change: p.Arg344Gln; replaces arginine 344 with glutamine.
Molecular consequence: missense variant.
Genome position (GRCh38, 1-based): chr18:10,485,718, G>A. VCF-style: chr18-10485718-G-A. GRCh37 (hg19) VCF-style: chr18-10485715-G-A.
Other names: short protein forms R344Q.
Identifiers: ClinVar variation 4752276 (VCV004752276.1).
Genomic context (GRCh38, chr18:10,485,718, plus strand): 5'-GCCACTACTACCACTACTCAGACCCGGTGTGCAAGCACCCCACCTTCTCCATCTACGCCC[G>A]GGGCCGCTACAGCCGCGGCGTCCTCTCGTCCAGGGTCATGGGAGGCACCGAGTTCGTGTT-3'
Protein context (NP_694545.1, residues 334-354): CKHPTFSIYA[Arg344Gln]GRYSRGVLSS